The following is an entry in ClinVar:

Conditions:
Breast-ovarian cancer, familial, susceptibility to, 1 (BROVCA1). Also called: BRCA1 Hereditary Breast and Ovarian Cancer; OVARIAN CANCER, SUSCEPTIBILITY TO. Identifiers: Orphanet 145, MedGen C2676676, MONDO:0011450, OMIM 604370. Disease mechanism: loss of function.

Submission:

Brotman Baty Institute, University of Washington
No classification provided (evidence only). Condition: Breast-ovarian cancer, familial 1. Review status: no classification provided. Collection method: in vitro. Allele origin: not applicable. Functional consequence: functionally_normal.
ClinVar note: "not provided" was previously submitted as the classification for the variant. However, the classification appeared to be based only on an observation of functional data so it was converted to no classification on 2025-07-30.

NM_007294.4(BRCA1):c.5193+30A>C

Gene: BRCA1 (BRCA1 DNA repair associated; minus strand). Cytogenetic location: 17q21.31.
Variant type: single nucleotide variant.
Coding change: c.5193+30A>C on transcript NM_007294.4 (MANE Select); 30 bases into the intron after coding-DNA position 5193, A replaced by C.
Molecular consequence: intron variant.
Genome position (GRCh38, 1-based): chr17:43,063,303, T>G on the plus strand (A>C on the coding strand, the complement: BRCA1 is on the minus strand). VCF-style: chr17-43063303-T-G. GRCh37 (hg19) VCF-style: chr17-41215320-T-G.
Other names: c.1740+30A>C (NM_001408458.1, NM_001408461.1, NM_001408464.1 and 7 more transcripts); c.4302+30A>C (NM_001407967.1); c.4812+30A>C (NM_001407959.1); c.4926+30A>C (NM_001407931.1, NM_001407932.1, NM_001407928.1 and 4 more transcripts); c.5049+30A>C (NM_001407747.1, NM_001407745.1, NM_001407737.1 and 21 more transcripts); c.4809+30A>C (NM_001407962.1, NM_001407960.1); c.1380+30A>C (NM_001408512.1); c.1503+30A>C (NM_001408510.1); and 72 more.
Identifiers: ClinVar variation 867493 (VCV000867493.3), dbSNP rs2051847330, ClinGen allele CA916079972.